The following is an entry in ClinVar:

ClinVar aggregate classification (germline): Likely pathogenic (1 of 4 stars; one submission).

Conditions:
Cohen syndrome (COH1). Also called: Cutis verticis gyrata, retinitis pigmentosa, and sensorineural deafness; PEPPER SYNDROME. Identifiers: Orphanet 193, MedGen C0265223, MONDO:0008999, OMIM 216550.

Submission:

Labcorp Genetics (formerly Invitae), Labcorp
Classification: Likely pathogenic for Cohen syndrome. Last evaluated: 2019-09-10. Review status: criteria provided, single submitter. Criteria: Invitae Variant Classification Sherloc (09022015). Collection method: clinical testing. Allele origin: unknown.
Comment: In summary, the currently available evidence indicates that the variant is pathogenic, but additional data are needed to prove that conclusively. Therefore, this variant has been classified as Likely Pathogenic. Loss-of-function variants in VPS13B are known to be pathogenic (PMID: 15141358, 16648375, 20461111). This variant has not been reported in the literature in individuals with VPS13B-related conditions. This variant results in the deletion of part of exon 41 (c.7322+2041_7476del) of the VPS13B gene. It is expected to disrupt RNA splicing and likely results in an absent or disrupted protein product.

Literature cited by the submitters: PubMed 15141358; PubMed 16648375; PubMed 20461111.

NC_000008.10:g.(?_100781239)_(100789156_?)del

Gene: VPS13B (vacuolar protein sorting 13 homolog B; plus strand). Cytogenetic location: 8q22.2.
Variant type: Deletion.
Identifiers: ClinVar variation 3245481 (VCV003245481.1).